The following is an entry in ClinVar:

ClinVar aggregate classification (germline): not provided (0 of 4 stars; one submission).

Allele frequency attached by ClinVar (database versions not stated): gnomAD exomes 0.00023 and 0.00057; ExAC 0.00073; ESP Exome Variant Server 0.00152; gnomAD 0.00208 and 0.00222; TOPMed 0.00233; 1000 Genomes Project 30x 0.00281; 1000 Genomes Project 0.00300.
gnomAD v4.1: 680 of 1,614,160 alleles (0.042%); highest among the groups gnomAD compares: African/African-American, 0.77%; 2 homozygotes.

Submission:

ITMI
No classification provided. Condition: AllHighlyPenetrant. Last evaluated: 2013-09-19. Review status: no classification provided. Collection method: reference population. Allele origin: germline.
Comment: Please see associated publication for description of ethnicities

Literature cited by the submitters: PubMed 24728327.

NM_001077706.3(ECT2L):c.1135A>T (p.Ser379Cys)

Gene: ECT2L (epithelial cell transforming 2 like; plus strand). Cytogenetic location: 6q24.1.
Variant type: single nucleotide variant.
Coding change: c.1135A>T on transcript NM_001077706.3 (MANE Select); coding-DNA position 1135, A replaced by T.
Protein change: p.Ser379Cys; replaces serine 379 with cysteine.
Molecular consequence: missense variant.
Genome position (GRCh38, 1-based): chr6:138,854,091, A>T. VCF-style: chr6-138854091-A-T. GRCh37 (hg19) VCF-style: chr6-139175228-A-T.
Other names: c.1135A>T, p.Ser379Cys (NM_001195037.2); short protein forms S379C.
Identifiers: ClinVar variation 134016 (VCV000134016.1), dbSNP rs139396585, ClinGen allele CA158426.